The following is an entry in ClinVar:

NM_015512.5(DNAH1):c.2104A>C (p.Lys702Gln)

Gene: DNAH1 (dynein axonemal heavy chain 1; plus strand). Cytogenetic location: 3p21.1.
Variant type: single nucleotide variant.
Coding change: c.2104A>C on transcript NM_015512.5 (MANE Select); coding-DNA position 2104, A replaced by C.
Protein change: p.Lys702Gln; replaces lysine 702 with glutamine.
Molecular consequence: missense variant.
Genome position (GRCh38, 1-based): chr3:52,347,972, A>C. VCF-style: chr3-52347972-A-C. GRCh37 (hg19) VCF-style: chr3-52381988-A-C.
Other names: short protein forms K702Q.
Identifiers: ClinVar variation 1437647 (VCV001437647.5), dbSNP rs754431164, ClinGen allele CA2433139.

ClinVar aggregate classification (germline): Uncertain significance (1 of 4 stars; one submission).

Conditions:
Spermatogenic failure 18. Identifiers: MedGen C4539783, MONDO:0054615, OMIM 617576.
Ciliary dyskinesia, primary, 37 (CILD37). Also called: CILIARY DYSKINESIA, PRIMARY, 37, WITH OR WITHOUT SITUS INVERSUS. Identifiers: MedGen C4539798, MONDO:0033204, OMIM 617577.

Allele frequency attached by ClinVar (database versions not stated): gnomAD 0.00001; TOPMed 0.00002.
gnomAD v4.1: 12 of 1,607,400 alleles (0.00075%); highest among the groups gnomAD compares: Admixed American, 0.0085%; no homozygotes.

Submission:

Labcorp Genetics (formerly Invitae), Labcorp
Classification: Uncertain significance for Ciliary dyskinesia, primary, 37; Spermatogenic failure 18. Last evaluated: 2022-02-09. Review status: criteria provided, single submitter. Criteria: Invitae Variant Classification Sherloc (09022015). Collection method: clinical testing. Allele origin: germline.
Comment: This sequence change replaces lysine, which is basic and polar, with glutamine, which is neutral and polar, at codon 702 of the DNAH1 protein (p.Lys702Gln). This variant is present in population databases (rs754431164, gnomAD 0.02%). This variant has not been reported in the literature in individuals affected with DNAH1-related conditions. Algorithms developed to predict the effect of missense changes on protein structure and function (SIFT, PolyPhen-2, Align-GVGD) all suggest that this variant is likely to be tolerated. In summary, the available evidence is currently insufficient to determine the role of this variant in disease. Therefore, it has been classified as a Variant of Uncertain Significance.